The following is an entry in ClinVar:

NM_000018.4(ACADVL):c.799_802del (p.Val267fs)

Gene: ACADVL (acyl-CoA dehydrogenase very long chain; plus strand). Cytogenetic location: 17p13.1.
Variant type: Deletion.
Coding change: c.799_802del on transcript NM_000018.4 (MANE Select); coding-DNA positions 799 to 802, 4 bases deleted (GTTA; older notation c.799_802delGTTA).
Protein change: p.Val267fs; shifts the reading frame from valine 267.
Molecular consequence: frameshift variant.
Genome position (GRCh38, 1-based): chr17:7,222,223-7,222,226, GTTA deleted; deleting any 4 consecutive bases within chr17:7,222,222-7,222,226 gives the same sequence; the c. name uses the placement nearest the transcript's 3' end. VCF-style (leftmost placement, unchanged base first): chr17-7222221-CAGTT-C. GRCh37 (hg19) VCF-style: chr17-7125540-CAGTT-C.
Other names: NM_000018.4(ACADVL):c.799_802del; p.Val267fs; c.733_736del, p.Val245fs (NM_001033859.3); c.868_871del, p.Val290fs (NM_001270447.2); c.571_574del, p.Val191fs (NM_001270448.2); c.799_802delGTTA (NM_000018.4); short protein forms V191fs, V245fs, V267fs, V290fs.
Identifiers: ClinVar variation 371635 (VCV000371635.11), dbSNP rs761204548, ClinGen allele CA8337855.

ClinVar aggregate classification (germline): Pathogenic. Review status: reviewed by expert panel (3 of 4 stars). 6 submissions from 6 submitters: Pathogenic (1). 5 of the submissions do not count toward it. Last evaluated 2025-03-31.

Conditions:
Very long chain acyl-CoA dehydrogenase deficiency (ACADVLD). Also called: VLCAD Deficiency; Very Long-Chain Acyl-Coenzyme A Dehydrogenase Deficiency. Identifiers: Orphanet 26793, MedGen C3887523, MONDO:0008723, OMIM 201475.

Submissions (6):

ClinGen ACADVL Variant Curation Expert Panel, ClinGen
Classification: Pathogenic for Very long chain acyl-CoA dehydrogenase deficiency. Last evaluated: 2025-03-31. Review status: reviewed by expert panel. Criteria: clingen acadvl acmg specifications v1. Collection method: curation. Allele origin: germline. Inheritance: Autosomal recessive inheritance.
Comment: The NM_000018.4(ACADVL):c.799_802del (p.Val267GlnfsTer8) variant in ACADVL is a frameshift variant predicted cause a premature stop codon in biologically-relevant-exon 9/20 leading to nonsense mediated decay in a gene in which loss-of-function is an established disease mechanism (PVS1; PMIDs 9973285, 11590124). The highest population minor allele frequency in gnomAD v2.1.1 is 0.000003978 in general population, which is lower than the ClinGen ACADVL Variant Curation Expert Panel threshold (<0.001) for PM2_Supporting, meeting this criterion (PM2_Supporting). This variant has been detected in two individuals with very long chain acyl CoA dehydrogenase (VLCAD) deficiency, of whom both were homozygous for the variant (PM3 score = 1.0, PM3, PMIDs: 27995075, 9973285). Patients with this variant displayed abnormal NBS and follow-up acylcarnitine profiles, and/or non-detectable ACADVL transcript by northern blot analysis, which is highly specific for very long chain acyl CoA dehydrogenase (VLCAD) deficiency (PP4_moderate, PMIDs: 27995075, 9973285). In summary, this variant meets the criteria to be classified as pathogenic for autosomal recessive very long chain acyl-CoA dehydrogenase (VLCAD) deficiency based on the ACMG/AMP criteria applied, as specified by the ClinGen ACADVL Variant Curation Expert Panel: PVS1, PM2_Supporting, PM3, PP4_moderate.

Natera, Inc.
Classification: Pathogenic for Very long chain acyl-CoA dehydrogenase deficiency. Last evaluated: 2025-05-02. Review status: criteria provided, single submitter. Criteria: Natera Variant Classification Schema (03/2026). Collection method: clinical testing. Allele origin: germline. Not counted in ClinVar's aggregate classification.
Comment: The c.799_802delGTTA variant in ACADVL is a frameshift variant predicted to shift the reading frame beginning at codon 267 and leads to a stop codon 8 codons downstream. This variant is expected to result in nonsense mediated decay, truncation, or a dysfunctional protein product. This variant is rare in the general population with a frequency below the threshold expected for the associated phenotype(s). This variant has been observed in one or more individuals affected with the associated recessive disease, as either homozygous or compound heterozygous with a second variant (PMID: 10790204, 27995075). Functional studies show that this variant may disrupt protein function (PMID: 28283530). Given the available evidence, this variant is classified as Pathogenic.

Fulgent Genetics
Classification: Pathogenic for Very long chain acyl-CoA dehydrogenase deficiency. Last evaluated: 2024-03-16. Review status: criteria provided, single submitter. Criteria: ACMG Guidelines, 2015. Collection method: clinical testing. Allele origin: germline. Not counted in ClinVar's aggregate classification.

Baylor Genetics
Classification: Pathogenic for Very long chain acyl-CoA dehydrogenase deficiency. Last evaluated: 2023-10-28. Review status: criteria provided, single submitter. Criteria: ACMG Guidelines, 2015. Collection method: clinical testing. Allele origin: unknown. Not counted in ClinVar's aggregate classification.

Women's Health and Genetics/Laboratory Corporation of America, LabCorp
Classification: Pathogenic for Very long chain acyl-CoA dehydrogenase deficiency. Last evaluated: 2017-12-05. Review status: criteria provided, single submitter. Criteria: LabCorp Variant Classification Summary - May 2015. Collection method: clinical testing. Allele origin: germline. Not counted in ClinVar's aggregate classification.
Comment: Variant summary: The ACADVL c.799_802delGTTA (p.Val267GlnfsX8) variant results in a premature termination codon, predicted to cause a truncated or absent ACADVL protein due to nonsense mediated decay, which are commonly known mechanisms for disease. A truncation downstream of this position, c.887_888delCT (p.Pro296fsX17) has been classified as likely pathogenicpathogenic by our laboratory. This variant was found in 1/246302 control chromosomes (gnomAD and publication controls) at a frequency of 0.0000041, which does not exceed the estimated maximal expected allele frequency of a pathogenic ACADVL variant (0.0028868). Multiple publications have cited the variant in homozygous affected individuals. In addition, a clinical diagnostic laboratory classified this variant as likely pathogenic. Taken together, this variant is classified as pathogenic.

Counsyl
Classification: Likely pathogenic for Very long chain acyl-CoA dehydrogenase deficiency. Last evaluated: 2016-11-08. Review status: no assertion criteria provided. Collection method: clinical testing. Allele origin: unknown. Not counted in ClinVar's aggregate classification.

Literature cited by the submitters: PubMed 10790204 (cited by Natera, Inc.); PubMed 27995075 (cited by Natera, Inc. and Women's Health and Genetics/Laboratory Corporation of America, LabCorp); PubMed 28283530 (cited by Natera, Inc.); PubMed 9973285 (cited by Women's Health and Genetics/Laboratory Corporation of America, LabCorp and Counsyl).